The following is an entry in ClinVar:

ClinVar aggregate classification (germline): Likely benign (0 of 4 stars; one submission).

Conditions:
SEMA3B-related disorder. Also called: SEMA3B-related condition.

Submission:

PreventionGenetics, part of Exact Sciences
Classification: Likely benign for SEMA3B-related condition. Last evaluated: 2021-11-03. Review status: no assertion criteria provided. Collection method: clinical testing. Allele origin: germline.
Comment: This variant is classified as likely benign based on ACMG/AMP sequence variant interpretation guidelines (Richards et al. 2015 PMID: 25741868, with internal and published modifications).

NM_001290060.2(SEMA3B):c.789C>T (p.Ser263=)

Gene: SEMA3B (semaphorin 3B; plus strand). Cytogenetic location: 3p21.31.
Variant type: single nucleotide variant.
Coding change: c.789C>T on transcript NM_001290060.2 (MANE Select); coding-DNA position 789, C replaced by T.
Protein change: p.Ser263=; no amino-acid change (serine 263 retained).
Molecular consequence: synonymous variant. On other transcripts: 5 prime UTR variant (1), intron variant (1).
Genome position (GRCh38, 1-based): chr3:50,273,422, C>T. VCF-style: chr3-50273422-C-T. GRCh37 (hg19) VCF-style: chr3-50310853-C-T.
Other names: c.789C>T, p.Ser263= (NM_001005914.3, NM_001290061.1, NM_004636.4); c.-238C>T (NM_001290062.2); c.-220+108C>T (NM_001290063.2).
Identifiers: ClinVar variation 3357767 (VCV003357767.1).